The following is an entry in ClinVar:

NM_000275.3(OCA2):c.1866del (p.Leu623fs)

Gene: OCA2 (OCA2 melanosomal transmembrane protein; minus strand). Cytogenetic location: 15q13.1.
Variant type: Deletion.
Coding change: c.1866del on transcript NM_000275.3 (MANE Select); coding-DNA position 1866, one base deleted (G; older notation c.1866delG).
Protein change: p.Leu623fs; shifts the reading frame from leucine 623.
Molecular consequence: frameshift variant.
Genome position (GRCh38, 1-based): chr15:27,951,869, C deleted on the plus strand (G on the coding strand, the reverse complement: OCA2 is on the minus strand). VCF-style (leftmost placement, unchanged base first): chr15-27951868-GC-G. GRCh37 (hg19) VCF-style: chr15-28197014-GC-G.
Other names: c.1794del, p.Leu599fs (NM_001300984.2); short protein forms L599fs, L623fs.
Identifiers: ClinVar variation 5014399 (VCV005014399.1).

ClinVar aggregate classification (germline): Pathogenic (1 of 4 stars; one submission).

Conditions:
Tyrosinase-positive oculocutaneous albinism (OCA2). Also called: ALBINISM II; Oculocutaneous albinism type 2; Albinism, oculocutaneous, type II. Identifiers: Orphanet 79432, MedGen C0268495, MONDO:0008746, OMIM 203200.

Submission:

Myriad Genetics, Inc.
Classification: Pathogenic for Tyrosinase-positive oculocutaneous albinism. Last evaluated: 2025-05-07. Review status: criteria provided, single submitter. Criteria: Myriad Autosomal Dominant, Autosomal Recessive and X-Linked Classification Criteria (2023). Collection method: clinical testing. Allele origin: unknown.
Comment: NM_000275.2(OCA2):c.1866delG(L623Sfs*5) is expected to be pathogenic in the context of oculocutaneous albinism, OCA2-related. This variant is predicted to lead to an abnormal or absent protein product due to the creation of a premature termination codon in OCA2, a gene where loss-of-function variants are known to be pathogenic. Please note: this variant was assessed in the context of healthy population screening.